The following is an entry in ClinVar:

NM_003640.5(ELP1):c.3151A>G (p.Thr1051Ala)

Gene: ELP1 (elongator acetyltransferase complex subunit 1; minus strand). Cytogenetic location: 9q31.3.
Variant type: single nucleotide variant.
Coding change: c.3151A>G on transcript NM_003640.5 (MANE Select); coding-DNA position 3151, A replaced by G.
Protein change: p.Thr1051Ala; replaces threonine 1051 with alanine.
Molecular consequence: missense variant.
Genome position (GRCh38, 1-based): chr9:108,891,212, T>C on the plus strand (A>G on the coding strand, the complement: ELP1 is on the minus strand). VCF-style: chr9-108891212-T-C. GRCh37 (hg19) VCF-style: chr9-111653492-T-C.
Other names: c.3151A>G (LRG_251t1); c.2809A>G, p.Thr937Ala (NM_001318360.2); c.2104A>G, p.Thr702Ala (NM_001330749.2); short protein forms T1051A, T702A, T937A.
Identifiers: ClinVar variation 526202 (VCV000526202.50), dbSNP rs148548795, ClinGen allele CA5174425.

ClinVar aggregate classification (germline): Uncertain significance. Review status: criteria provided, multiple submitters, no conflicts (2 of 4 stars). 5 submissions from 5 submitters: Uncertain significance (5). Last evaluated 2024-07-06.

Conditions:
Medulloblastoma (MDB). Also called: Medulloblastoma, somatic; MEDULLOBLASTOMA PREDISPOSITION SYNDROME. Identifiers: Orphanet 616, MedGen C0025149, MeSH D008527, MONDO:0007959, OMIM 155255, HP:0002885.
Familial dysautonomia. Also called: FD; HSAN III. Identifiers: Orphanet 1764, MedGen C0013364, MONDO:0009131, OMIM 223900. Disease mechanism: loss of function.

Allele frequency attached by ClinVar (database versions not stated): gnomAD 0.00001; gnomAD exomes 0.00001 and 0.00004; ExAC 0.00002; TOPMed 0.00002; ESP Exome Variant Server 0.00015.

Submissions (5):

Ambry Genetics
Classification: Uncertain significance. Last evaluated: 2024-07-06. Review status: criteria provided, single submitter. Criteria: Ambry Variant Classification Scheme 2023. Collection method: clinical testing. Allele origin: germline.
Comment: The p.T1051A variant (also known as c.3151A>G), located in coding exon 27 of the IKBKAP gene, results from an A to G substitution at nucleotide position 3151. The threonine at codon 1051 is replaced by alanine, an amino acid with similar properties. This amino acid position is conserved. In addition, this alteration is predicted to be tolerated by in silico analysis. Based on the available evidence, the clinical significance of this variant remains unclear.

Fulgent Genetics
Classification: Uncertain significance for Medulloblastoma; Familial dysautonomia. Last evaluated: 2024-02-09. Review status: criteria provided, single submitter. Criteria: ACMG Guidelines, 2015. Collection method: clinical testing. Allele origin: germline.

Labcorp Genetics (formerly Invitae), Labcorp
Classification: Uncertain significance. Last evaluated: 2022-04-28. Review status: criteria provided, single submitter. Criteria: Invitae Variant Classification Sherloc (09022015). Collection method: clinical testing. Allele origin: germline.
Comment: This sequence change replaces threonine, which is neutral and polar, with alanine, which is neutral and non-polar, at codon 1051 of the ELP1 protein (p.Thr1051Ala). This variant is present in population databases (rs148548795, gnomAD 0.02%). This variant has not been reported in the literature in individuals affected with ELP1-related conditions. ClinVar contains an entry for this variant (Variation ID: 526202). Algorithms developed to predict the effect of missense changes on protein structure and function output the following: SIFT: "Tolerated"; PolyPhen-2: "Benign"; Align-GVGD: "Class C0". The alanine amino acid residue is found in multiple mammalian species, which suggests that this missense change does not adversely affect protein function. In summary, the available evidence is currently insufficient to determine the role of this variant in disease. Therefore, it has been classified as a Variant of Uncertain Significance.

St. Jude Molecular Pathology, St. Jude Children's Research Hospital
Classification: Uncertain significance for Medulloblastoma. Last evaluated: 2021-11-17. Review status: criteria provided, single submitter. Criteria: St. Jude Assertion Criteria 2020. Collection method: clinical testing. Allele origin: germline.
Comment: The ELP1 c.3151A>G (p.Thr1051Ala) missense change has a maximum subpopulation frequency of 0.016% in gnomAD v2.1.1. Seven of seven in silico tools predict a benign effect of this variant on protein function (BP4), but to our knowledge these predictions have not been confirmed by functional assays. To our knowledge, this variant has not been reported in individuals with a personal or family history of medulloblastoma. In summary, this variant meets criteria to be classified as of uncertain significance based on the ACMG/AMP criteria: BP4

CeGaT Center for Human Genetics Tuebingen
Classification: Uncertain significance. Last evaluated: 2016-06-01. Review status: criteria provided, single submitter. Criteria: CeGaT Center For Human Genetics Tuebingen Variant Classification Criteria Version 2. Collection method: clinical testing. Allele origin: germline. Affected: yes. Observed: 1 variant allele.